The following is an entry in ClinVar:

ClinVar aggregate classification (germline): Uncertain significance (1 of 4 stars; one submission).

Conditions:
Hereditary cancer-predisposing syndrome. Also called: Tumor predisposition; Hereditary Cancer Syndrome; Neoplastic Syndromes, Hereditary; Hereditary neoplastic syndrome. Identifiers: Orphanet 140162, MedGen C0027672, MeSH D009386, MONDO:0015356.

Submission:

Ambry Genetics
Classification: Uncertain significance for Hereditary cancer-predisposing syndrome. Last evaluated: 2017-12-18. Review status: criteria provided, single submitter. Criteria: Ambry Variant Classification Scheme 2023. Collection method: clinical testing. Allele origin: germline.
Comment: The p.H367P variant (also known as c.1100A>C), located in coding exon 4 of the MSH6 gene, results from an A to C substitution at nucleotide position 1100. The histidine at codon 367 is replaced by proline, an amino acid with similar properties. This amino acid position is highly conserved in available vertebrate species. In addition, this alteration is predicted to be deleterious by in silico analysis. In addition, the CoDP in silico tool predicts this alteration to have minor impact on molecular function, with a score of 0.035 (Terui H et al. J. Biomed. Sci. 2013 Apr;20:25). Since supporting evidence is limited at this time, the clinical significance of this alteration remains unclear.

NM_000179.3(MSH6):c.1100A>C (p.His367Pro)

Gene: MSH6 (mutS homolog 6; plus strand). Cytogenetic location: 2p16.3.
Variant type: single nucleotide variant.
Coding change: c.1100A>C on transcript NM_000179.3 (MANE Select); coding-DNA position 1100, A replaced by C.
Protein change: p.His367Pro; replaces histidine 367 with proline.
Molecular consequence: missense variant.
Genome position (GRCh38, 1-based): chr2:47,799,083, A>C. VCF-style: chr2-47799083-A-C. GRCh37 (hg19) VCF-style: chr2-48026222-A-C.
Other names: c.710A>C, p.His237Pro (NM_001281492.2); c.194A>C, p.His65Pro (NM_001281493.2, NM_001281494.2); short protein forms H237P, H367P, H65P.
Identifiers: ClinVar variation 822171 (VCV000822171.4), dbSNP rs1553412495, ClinGen allele CA346741909.